The following is an entry in ClinVar:

NM_002661.5(PLCG2):c.1999G>A (p.Gly667Arg)

Gene: PLCG2 (phospholipase C gamma 2; plus strand). Cytogenetic location: 16q23.3.
Variant type: single nucleotide variant.
Coding change: c.1999G>A on transcript NM_002661.5 (MANE Select); coding-DNA position 1999, G replaced by A.
Protein change: p.Gly667Arg; replaces glycine 667 with arginine.
Molecular consequence: missense variant.
Genome position (GRCh38, 1-based): chr16:81,912,661, G>A. VCF-style: chr16-81912661-G-A. GRCh37 (hg19) VCF-style: chr16-81946266-G-A.
Other names: short protein forms G667R.
Identifiers: ClinVar variation 2145634 (VCV002145634.4), dbSNP rs774828108, ClinGen allele CA8194035.

ClinVar aggregate classification (germline): Uncertain significance (1 of 4 stars; one submission).

Conditions:
Familial cold autoinflammatory syndrome 3 (FCAS3). Also called: ANTIBODY DEFICIENCY AND IMMUNE DYSREGULATION, PLCG2-ASSOCIATED; FAMILIAL ATYPICAL COLD URTICARIA. Identifiers: Orphanet 300359, MedGen C3280914, MONDO:0013766, OMIM 614468.

Allele frequency attached by ClinVar (database versions not stated): gnomAD exomes 0.00001; ExAC 0.00005.
gnomAD v4.1: 7 of 1,613,022 alleles (0.00043%); highest among the groups gnomAD compares: Admixed American, 0.0083%; no homozygotes.

Submission:

Labcorp Genetics (formerly Invitae), Labcorp
Classification: Uncertain significance for Familial cold autoinflammatory syndrome 3. Last evaluated: 2026-01-27. Review status: criteria provided, single submitter. Criteria: Invitae Variant Classification Sherloc (09022015). Collection method: clinical testing. Allele origin: germline.
Comment: This sequence change replaces glycine, which is neutral and non-polar, with arginine, which is basic and polar, at codon 667 of the PLCG2 protein (p.Gly667Arg). The frequency data for this variant in the population databases is considered unreliable, as metrics indicate poor data quality at this position in the gnomAD database. This variant has not been reported in the literature in individuals affected with PLCG2-related conditions. ClinVar contains an entry for this variant (Variation ID: 2145634). An algorithm developed to predict the effect of missense changes on protein structure and function (PolyPhen-2) suggests that this variant is likely to be disruptive. In summary, the available evidence is currently insufficient to determine the role of this variant in disease. Therefore, it has been classified as a Variant of Uncertain Significance.